The following is an entry in ClinVar:

NM_006623.4(PHGDH):c.160C>T (p.Arg54Cys)

Gene: PHGDH (phosphoglycerate dehydrogenase; plus strand). Cytogenetic location: 1p12.
Variant type: single nucleotide variant.
Coding change: c.160C>T on transcript NM_006623.4 (MANE Select); coding-DNA position 160, C replaced by T.
Protein change: p.Arg54Cys; replaces arginine 54 with cysteine.
Molecular consequence: missense variant.
Genome position (GRCh38, 1-based): chr1:119,721,191, C>T. VCF-style: chr1-119721191-C-T. GRCh37 (hg19) VCF-style: chr1-120263814-C-T.
Other names: short protein forms R54C.
Identifiers: ClinVar variation 1055935 (VCV001055935.6), dbSNP rs779687118, ClinGen allele CA1036957.

ClinVar aggregate classification (germline): Uncertain significance (1 of 4 stars; one submission).

Conditions:
PHGDH deficiency. Identifiers: Orphanet 79351, MedGen C1866174, MONDO:0011152, OMIM 601815.

Allele frequency attached by ClinVar (database versions not stated): TOPMed below 0.00001; ExAC 0.00001; gnomAD 0.00001; gnomAD exomes 0.00001 and 0.00002.
gnomAD v4.1: 22 of 1,614,022 alleles (0.0014%); highest among the groups gnomAD compares: Admixed American, 0.0067%; no homozygotes.

Submission:

Labcorp Genetics (formerly Invitae), Labcorp
Classification: Uncertain significance for PHGDH deficiency. Last evaluated: 2022-06-01. Review status: criteria provided, single submitter. Criteria: Invitae Variant Classification Sherloc (09022015). Collection method: clinical testing. Allele origin: germline.
Comment: This sequence change replaces arginine, which is basic and polar, with cysteine, which is neutral and slightly polar, at codon 54 of the PHGDH protein (p.Arg54Cys). This variant is present in population databases (rs779687118, gnomAD 0.009%). This missense change has been observed in individuals with Neu-Laxova syndrome (PMID: 25152457, 32579715). ClinVar contains an entry for this variant (Variation ID: 1055935). Algorithms developed to predict the effect of missense changes on protein structure and function are either unavailable or do not agree on the potential impact of this missense change (SIFT: "Deleterious"; PolyPhen-2: "Probably Damaging"; Align-GVGD: "Class C0"). Algorithms developed to predict the effect of sequence changes on RNA splicing suggest that this variant may create or strengthen a splice site. In summary, the available evidence is currently insufficient to determine the role of this variant in disease. Therefore, it has been classified as a Variant of Uncertain Significance.

Literature cited by the submitters: PubMed 25152457; PubMed 32579715.